The following is an entry in ClinVar:

NM_000214.3(JAG1):c.903dup (p.Thr302fs)

Gene: JAG1 (jagged canonical Notch ligand 1; minus strand). Cytogenetic location: 20p12.2.
Variant type: Duplication.
Coding change: c.903dup on transcript NM_000214.3 (MANE Select); coding-DNA position 903, one base duplicated (G; older notation c.903dupG).
Protein change: p.Thr302fs; shifts the reading frame from threonine 302.
Molecular consequence: frameshift variant.
Genome position (GRCh38, 1-based): chr20:10,652,234, C duplicated on the plus strand (G on the coding strand, the reverse complement: JAG1 is on the minus strand); the first of 3 consecutive C bases (chr20:10,652,234-10,652,236); duplicating any one gives the same sequence. VCF-style (leftmost placement, unchanged base first): chr20-10652233-T-TC. GRCh37 (hg19) VCF-style: chr20-10632881-T-TC.
Other names: c.903dupG (NM_000214.2); short protein forms T302fs.
Identifiers: ClinVar variation 1685894 (VCV001685894.2), dbSNP rs2122614562, ClinGen allele CA2573156859.

ClinVar aggregate classification (germline): Pathogenic. Review status: criteria provided, multiple submitters, no conflicts (2 of 4 stars). 2 submissions from 2 submitters: Pathogenic (2). Last evaluated 2026-09-09.

Conditions:
Alagille syndrome due to a JAG1 point mutation. Also called: HEPATIC DUCTULAR HYPOPLASIA, SYNDROMATIC; JAG1-Related Alagille Syndrome; Alagille Syndrome 1. Identifiers: Orphanet 261619, Orphanet 52, MedGen C1956125, MONDO:0016862, OMIM 118450.
JAG1-related disorder. Also called: JAG1-related disorders; JAG1-related condition.

Submissions (2):

PreventionGenetics, part of Exact Sciences
Classification: Pathogenic for JAG1-related condition. Last evaluated: 2026-09-09. Review status: criteria provided, single submitter. Criteria: ACMG Guidelines, 2015. Collection method: clinical testing. Allele origin: germline.
Comment: The JAG1 c.903dupG variant is predicted to result in a frameshift and premature protein termination (p.Thr302Aspfs*12). This variant has been reported in a cohort study of individuals with Alagille syndrome (Table 1. Gilbert et al. 2019. PubMed ID: 31343788). This variant has not been reported in a large population database (gnomAD), indicating this variant is rare. Frameshift variants in JAG1 are expected to be pathogenic. This variant is interpreted as pathogenic.

Mendelics
Classification: Pathogenic for Alagille syndrome due to a JAG1 point mutation. Last evaluated: 2022-05-04. Review status: criteria provided, single submitter. Criteria: Mendelics Assertion Criteria 2019. Collection method: clinical testing. Allele origin: germline.